The following is an entry in ClinVar:

NM_022489.4(INF2):c.744C>T (p.Phe248=)

Gene: INF2 (inverted formin 2; plus strand). Cytogenetic location: 14q32.33.
Variant type: single nucleotide variant.
Coding change: c.744C>T on transcript NM_022489.4 (MANE Select); coding-DNA position 744, C replaced by T.
Protein change: p.Phe248=; no amino-acid change (phenylalanine 248 retained).
Molecular consequence: synonymous variant.
Genome position (GRCh38, 1-based): chr14:104,706,077, C>T. VCF-style: chr14-104706077-C-T. GRCh37 (hg19) VCF-style: chr14-105172414-C-T.
Other names: c.744C>T, p.Phe248= (NM_001031714.4).
Identifiers: ClinVar variation 705371 (VCV000705371.47), dbSNP rs372799744, ClinGen allele CA7372414.

ClinVar aggregate classification (germline): Likely benign. Review status: criteria provided, multiple submitters, no conflicts (2 of 4 stars). 5 submissions from 5 submitters: Likely benign (4). 1 of the submissions does not count toward it. Last evaluated 2025-12-15.

Conditions:
INF2-related disorder. Also called: INF2-related condition.
Charcot-Marie-Tooth disease dominant intermediate E. Also called: CHARCOT-MARIE-TOOTH NEUROPATHY WITH FOCAL SEGMENTAL GLOMERULONEPHRITIS. Identifiers: Orphanet 93114, MedGen C4302667, MONDO:0013758, OMIM 614455.
Focal segmental glomerulosclerosis 5 (FSGS5). Identifiers: Orphanet 656, MedGen C2750475, MONDO:0013191, OMIM 613237.

Allele frequency attached by ClinVar (database versions not stated): gnomAD 0.00011 and 0.00012; gnomAD exomes 0.00011 and 0.00014; TOPMed 0.00011; ExAC 0.00015; ESP Exome Variant Server 0.00024.
gnomAD v4.1: 217 of 1,612,456 alleles (0.013%); highest among the groups gnomAD compares: Non-Finnish European, 0.017%; no homozygotes.

Submissions (5):

Labcorp Genetics (formerly Invitae), Labcorp
Classification: Likely benign for Charcot-Marie-Tooth disease dominant intermediate E; Focal segmental glomerulosclerosis 5. Last evaluated: 2025-12-15. Review status: criteria provided, single submitter. Criteria: Invitae Variant Classification Sherloc (09022015). Collection method: clinical testing. Allele origin: germline.

CeGaT Center for Human Genetics Tuebingen
Classification: Likely benign. Last evaluated: 2025-07-01. Review status: criteria provided, single submitter. Criteria: CeGaT Center For Human Genetics Tuebingen Variant Classification Criteria Version 2. Collection method: clinical testing. Allele origin: germline. Affected: yes. Observed: 3 variant alleles.
Comment: INF2: BP4, BP7

Blueprint Genetics
Classification: Likely benign. Last evaluated: 2024-11-20. Review status: criteria provided, single submitter. Criteria: ACMG Guidelines, 2015. Collection method: clinical testing. Allele origin: germline.

Fulgent Genetics
Classification: Likely benign for Focal segmental glomerulosclerosis 5; Charcot-Marie-Tooth disease dominant intermediate E. Last evaluated: 2022-03-17. Review status: criteria provided, single submitter. Criteria: ACMG Guidelines, 2015. Collection method: clinical testing. Allele origin: unknown.

PreventionGenetics, part of Exact Sciences
Classification: Likely benign for INF2-related condition. Last evaluated: 2019-04-02. Review status: no assertion criteria provided. Collection method: clinical testing. Allele origin: germline. Not counted in ClinVar's aggregate classification.
Comment: This variant is classified as likely benign based on ACMG/AMP sequence variant interpretation guidelines (Richards et al. 2015 PMID: 25741868, with internal and published modifications).